The following is an entry in ClinVar:

ClinVar aggregate classification (germline): Uncertain significance. Review status: criteria provided, multiple submitters, no conflicts (2 of 4 stars). 2 submissions from 2 submitters: Uncertain significance (2). Last evaluated 2025-12-19.

Conditions:
Cardiovascular phenotype. Identifiers: MedGen CN230736.
Brugada syndrome 5 (BRGDA5). Identifiers: Orphanet 130, Orphanet 871, MedGen C2748541, MONDO:0013015, OMIM 612838.

Allele frequency attached by ClinVar (database versions not stated): gnomAD 0.00001 and 0.00003; gnomAD exomes 0.00001; TOPMed 0.00002.
gnomAD v4.1: 21 of 1,614,146 alleles (0.0013%); highest among the groups gnomAD compares: East Asian, 0.0045%; no homozygotes.

Submissions (2):

Labcorp Genetics (formerly Invitae), Labcorp
Classification: Uncertain significance for Brugada syndrome 5. Last evaluated: 2025-12-19. Review status: criteria provided, single submitter. Criteria: Invitae Variant Classification Sherloc (09022015). Collection method: clinical testing. Allele origin: germline.
Comment: The SCN1B gene has multiple clinically relevant transcripts. This variant occurs in alternate transcript NM_001037.5, and corresponds to NM_199037.4:c.*5093G>A in the primary transcript. This sequence change replaces valine, which is neutral and non-polar, with methionine, which is neutral and non-polar, at codon 175 of the SCN1B protein (p.Val175Met). This variant is present in population databases (rs776213428, gnomAD 0.01%). This variant has not been reported in the literature in individuals affected with SCN1B-related conditions. Experimental studies and prediction algorithms are not available or were not evaluated, and the functional significance of this variant is currently unknown. In summary, the available evidence is currently insufficient to determine the role of this variant in disease. Therefore, it has been classified as a Variant of Uncertain Significance.

Ambry Genetics
Classification: Uncertain significance for Cardiovascular phenotype. Last evaluated: 2023-12-13. Review status: criteria provided, single submitter. Criteria: Ambry Variant Classification Scheme 2023. Collection method: clinical testing. Allele origin: germline.
Comment: The c.523G>A (p.V175M) alteration is located in exon 4 (coding exon 4) of the SCN1B gene. This alteration results from a G to A substitution at nucleotide position 523, causing the valine (V) at amino acid position 175 to be replaced by a methionine (M). The p.V175M alteration is predicted to be tolerated by in silico analysis. Based on insufficient or conflicting evidence, the clinical significance of this alteration remains unclear.

NM_001037.5(SCN1B):c.523G>A (p.Val175Met)

Gene: SCN1B (sodium voltage-gated channel beta subunit 1; plus strand). Cytogenetic location: 19q13.11.
Variant type: single nucleotide variant.
Coding change: c.523G>A on transcript NM_001037.5 (MANE Select); coding-DNA position 523, G replaced by A.
Protein change: p.Val175Met; replaces valine 175 with methionine.
Molecular consequence: missense variant.
Genome position (GRCh38, 1-based): chr19:35,039,191, G>A. VCF-style: chr19-35039191-G-A. GRCh37 (hg19) VCF-style: chr19-35530095-G-A.
Other names: c.424G>A, p.Val142Met (NM_001321605.2); short protein forms V175M, V142M.
Identifiers: ClinVar variation 190873 (VCV000190873.13), dbSNP rs776213428, ClinGen allele CA302178.